The following is an entry in ClinVar:

NM_015450.3(POT1):c.546+3A>G

Gene: POT1 (protection of telomeres 1; minus strand). Cytogenetic location: 7q31.33.
Variant type: single nucleotide variant.
Coding change: c.546+3A>G on transcript NM_015450.3 (MANE Select); 3 bases into the intron after coding-DNA position 546, A replaced by G.
Molecular consequence: intron variant.
Genome position (GRCh38, 1-based): chr7:124,863,347, T>C on the plus strand (A>G on the coding strand, the complement: POT1 is on the minus strand). VCF-style: chr7-124863347-T-C. GRCh37 (hg19) VCF-style: chr7-124503401-T-C.
Other names: c.153+3A>G (NM_001042594.2).
Identifiers: ClinVar variation 1747665 (VCV001747665.9), dbSNP rs1795645020, ClinGen allele CA1740730139.

ClinVar aggregate classification (germline): Uncertain significance. Review status: criteria provided, multiple submitters, no conflicts (2 of 4 stars). 2 submissions from 2 submitters: Uncertain significance (2). Last evaluated 2025-01-07.

Conditions:
Hereditary cancer-predisposing syndrome. Also called: Hereditary Cancer Syndrome; Hereditary neoplastic syndrome; Neoplastic Syndromes, Hereditary; Tumor predisposition. Identifiers: Orphanet 140162, MedGen C0027672, MeSH D009386, MONDO:0015356.
Tumor predisposition syndrome 3 (TPDS3). Also called: Melanoma, cutaneous malignant, susceptibility to, 10; Glioma susceptibility 9; LONG TELOMERE SYNDROME, POT1-RELATED; POT1 Tumor Predisposition. Identifiers: Orphanet 618, MedGen C4014476, MONDO:0014368, OMIM 615848.

Allele frequency attached by ClinVar (database versions not stated): TOPMed below 0.00001.

Submissions (2):

Ambry Genetics
Classification: Uncertain significance for Hereditary cancer-predisposing syndrome. Last evaluated: 2025-01-07. Review status: criteria provided, single submitter. Criteria: Ambry Variant Classification Scheme 2023. Collection method: clinical testing. Allele origin: germline.
Comment: The c.546+3A>G intronic variant results from an A to G substitution 3 nucleotides after coding exon 4 in the POT1 gene. This nucleotide position is not well conserved in available vertebrate species. In silico splice site analysis predicts that this alteration may weaken the native splice donor site; however, direct evidence is insufficient at this time (Ambry internal data). Since supporting evidence is limited at this time, the clinical significance of this alteration remains unclear.

Labcorp Genetics (formerly Invitae), Labcorp
Classification: Uncertain significance for Tumor predisposition syndrome 3. Last evaluated: 2022-06-26. Review status: criteria provided, single submitter. Criteria: Invitae Variant Classification Sherloc (09022015). Collection method: clinical testing. Allele origin: germline.
Comment: This variant is not present in population databases (gnomAD no frequency). In summary, the available evidence is currently insufficient to determine the role of this variant in disease. Therefore, it has been classified as a Variant of Uncertain Significance. Variants that disrupt the consensus splice site are a relatively common cause of aberrant splicing (PMID: 17576681, 9536098). Algorithms developed to predict the effect of sequence changes on RNA splicing suggest that this variant may disrupt the consensus splice site. This variant has not been reported in the literature in individuals affected with POT1-related conditions. This sequence change falls in intron 8 of the POT1 gene. It does not directly change the encoded amino acid sequence of the POT1 protein. It affects a nucleotide within the consensus splice site.

Literature cited by the submitters: PubMed 17576681 (cited by Labcorp Genetics (formerly Invitae), Labcorp); PubMed 9536098 (cited by Labcorp Genetics (formerly Invitae), Labcorp).